The following is an entry in ClinVar:

NC_000016.9:g.(?_47682424)_(47684852_?)del

Gene: PHKB (phosphorylase kinase regulatory subunit beta; plus strand). Cytogenetic location: 16q12.1.
Variant type: Deletion.
Identifiers: ClinVar variation 1480822 (VCV001480822.4).

ClinVar aggregate classification (germline): Uncertain significance (1 of 4 stars; one submission).

Conditions:
Glycogen storage disease IXb (GSD9B). Also called: PHOSPHORYLASE KINASE DEFICIENCY OF LIVER AND MUSCLE, AUTOSOMAL RECESSIVE; GLYCOGENOSIS OF LIVER AND MUSCLE, AUTOSOMAL RECESSIVE; GSD IXb. Identifiers: Orphanet 79240, MedGen C0543514, MONDO:0009868, OMIM 261750.

Submission:

Labcorp Genetics (formerly Invitae), Labcorp
Classification: Uncertain significance for Glycogen storage disease IXb. Last evaluated: 2022-08-16. Review status: criteria provided, single submitter. Criteria: Invitae Variant Classification Sherloc (09022015). Collection method: clinical testing. Allele origin: germline.
Comment: This variant is a gross deletion of the genomic region encompassing exon(s) 17-20 of the PHKB gene. This variant would be expected to be in-frame, preserving the integrity of the reading frame. This variant has not been reported in the literature in individuals affected with PHKB-related conditions. Experimental studies and prediction algorithms are not available or were not evaluated, and the functional significance of this variant is currently unknown. In summary, the available evidence is currently insufficient to determine the role of this variant in disease. Therefore, it has been classified as a Variant of Uncertain Significance.